The following is an entry in ClinVar:

NM_000441.2(SLC26A4):c.103_104delinsGCTGCT (p.Gln35fs)

Genes: SLC26A4 (solute carrier family 26 member 4; plus strand), SLC26A4-AS1 (SLC26A4 antisense RNA 1; minus strand). Cytogenetic location: 7q22.3.
Variant type: Indel.
Coding change: c.103_104delinsGCTGCT on transcript NM_000441.2 (MANE Select); coding-DNA positions 103 to 104, CA replaced by GCTGCT.
Protein change: p.Gln35fs; shifts the reading frame from glutamine 35.
Molecular consequence: frameshift variant. On other transcripts: non-coding transcript variant (1).
Genome position (GRCh38, 1-based): chr7:107,661,744-107,661,745, CA replaced by GCTGCT. VCF-style: chr7-107661744-CA-GCTGCT. GRCh37 (hg19) VCF-style: chr7-107302189-CA-GCTGCT.
Other names: short protein forms Q35fs.
Identifiers: ClinVar variation 1726478 (VCV001726478.2), dbSNP rs2535278242, ClinGen allele CA2580076150.

ClinVar aggregate classification (germline): Likely pathogenic (1 of 4 stars; one submission).

Conditions:
Pendred syndrome (PDS). Also called: THYROID DYSHORMONOGENESIS 2B; THYROID HORMONOGENESIS, GENETIC DEFECT IN, 2B; DEAFNESS WITH GOITER; GOITER-DEAFNESS SYNDROME; HYPOTHYROIDISM, CONGENITAL, DUE TO DYSHORMONOGENESIS, 2B; Pendred's syndrome. Identifiers: Orphanet 705, MedGen C0271829, MONDO:0010134, OMIM 274600.

Submission:

Myriad Genetics, Inc.
Classification: Likely pathogenic for Pendred syndrome. Last evaluated: 2021-12-17. Review status: criteria provided, single submitter. Criteria: Myriad Women's Health Autosomal Recessive and X-Linked Classification Criteria (2021). Collection method: clinical testing. Allele origin: unknown.
Comment: NM_000441.1(SLC26A4):c.103_104del2ins6(Q35Afs*53) is expected to be pathogenic in the context of Pendred syndrome. This variant is predicted to lead to an abnormal or absent protein product due to the creation of a premature termination codon in SLC26A4, a gene where loss-of-function variants are known to be pathogenic. Please note: this variant was assessed in the context of healthy population screening.